The following is an entry in ClinVar:

NM_003907.3(EIF2B5):c.515G>A (p.Arg172Gln)

Gene: EIF2B5 (eukaryotic translation initiation factor 2B subunit epsilon; plus strand). Cytogenetic location: 3q27.1.
Variant type: single nucleotide variant.
Coding change: c.515G>A on transcript NM_003907.3 (MANE Select); coding-DNA position 515, G replaced by A.
Protein change: p.Arg172Gln; replaces arginine 172 with glutamine.
Molecular consequence: missense variant.
Genome position (GRCh38, 1-based): chr3:184,137,906, G>A. VCF-style: chr3-184137906-G-A. GRCh37 (hg19) VCF-style: chr3-183855694-G-A.
Other names: c.515G>A (NM_003907.2); short protein forms R172Q.
Identifiers: ClinVar variation 2201006 (VCV002201006.6), dbSNP rs199920839, ClinGen allele CA2726416.

ClinVar aggregate classification (germline): Uncertain significance. Review status: criteria provided, multiple submitters, no conflicts (2 of 4 stars). 4 submissions from 4 submitters: Uncertain significance (4). Last evaluated 2026-08-06.

Conditions:
Inborn genetic diseases. Identifiers: MedGen C0950123, MeSH D030342.
Leukoencephalopathy with vanishing white matter 5 (VWM5). Also called: EIF2B5-Related Childhood Ataxia with Central Nervous System Hypomyelination/Vanishing White Matter; Leukoencephalopathy with vanishing white matter 5, with or without ovarian failure. Identifiers: MedGen C5779973, MONDO:0957873, OMIM 620315.

Allele frequency attached by ClinVar (database versions not stated): gnomAD 0.00005; 1000 Genomes Project 30x 0.00016; gnomAD exomes 0.00005; 1000 Genomes Project 0.00020; ESP Exome Variant Server 0.00008; TOPMed 0.00003; ExAC 0.00004.
gnomAD v4.1: 88 of 1,614,110 alleles (0.0055%); highest among the groups gnomAD compares: Non-Finnish European, 0.0067%; no homozygotes.

Submissions (4):

OLLIN Analises Genomicas, OLLIN
Classification: Uncertain significance for Leukoencephalopathy with vanishing white matter 5. Last evaluated: 2026-08-06. Review status: criteria provided, single submitter. Criteria: ACMG Guidelines 2015 PMID 25741868. Collection method: clinical testing. Allele origin: germline. Inheritance: Autosomal recessive inheritance.
Comment: This missense variant, located in exon 4 (of 16), has been reported in ClinVar (accession VCV002201006.5) and in gnomAD with an allele frequency of 0.0055%. However, to our knowledge, it has not been reported in the scientific literature. In silico analysis predicts that this variant has a deleterious effect. According to the currently available evidence, this variant has been classified as uncertain significance (PM2_P, PP3).

Ambry Genetics
Classification: Uncertain significance for Inborn genetic diseases. Last evaluated: 2024-11-13. Review status: criteria provided, single submitter. Criteria: Ambry Variant Classification Scheme 2023. Collection method: clinical testing. Allele origin: germline.

Labcorp Genetics (formerly Invitae), Labcorp
Classification: Uncertain significance. Last evaluated: 2021-10-25. Review status: criteria provided, single submitter. Criteria: Invitae Variant Classification Sherloc (09022015). Collection method: clinical testing. Allele origin: germline.
Comment: This sequence change replaces arginine with glutamine at codon 172 of the EIF2B5 protein (p.Arg172Gln). The arginine residue is highly conserved and there is a small physicochemical difference between arginine and glutamine. This variant is present in population databases (rs199920839, ExAC 0.01%). This variant has not been reported in the literature in individuals with EIF2B5-related conditions. Algorithms developed to predict the effect of missense changes on protein structure and function (SIFT, PolyPhen-2, Align-GVGD) all suggest that this variant is likely to be tolerated, but these predictions have not been confirmed by published functional studies and their clinical significance is uncertain. In summary, the available evidence is currently insufficient to determine the role of this variant in disease. Therefore, it has been classified as a Variant of Uncertain Significance.

Revvity Omics, Revvity
Classification: Uncertain significance for Leukoencephalopathy with vanishing white matter 5. Last evaluated: 2019-03-16. Review status: criteria provided, single submitter. Criteria: ACMG Guidelines, 2015. Collection method: clinical testing. Allele origin: germline.